The following is an entry in ClinVar:

NM_017763.6(RNF43):c.133A>G (p.Lys45Glu)

Gene: RNF43 (ring finger protein 43; minus strand). Cytogenetic location: 17q22.
Variant type: single nucleotide variant.
Coding change: c.133A>G on transcript NM_017763.6 (MANE Select); coding-DNA position 133, A replaced by G.
Protein change: p.Lys45Glu; replaces lysine 45 with glutamic acid.
Molecular consequence: missense variant. On other transcripts: intron variant (1).
Genome position (GRCh38, 1-based): chr17:58,415,445, T>C on the plus strand (A>G on the coding strand, the complement: RNF43 is on the minus strand). VCF-style: chr17-58415445-T-C. GRCh37 (hg19) VCF-style: chr17-56492806-T-C.
Other names: c.133A>G, p.Lys45Glu (NM_001305544.3, NM_001438820.1, NM_001438821.1 and 1 more transcripts); c.-130+1572A>G (NM_001437987.1); short protein forms K45E.
Identifiers: ClinVar variation 4863425 (VCV004863425.1).

ClinVar aggregate classification (germline): Uncertain significance (1 of 4 stars; one submission).

Submission:

Ambry Genetics
Classification: Uncertain significance. Last evaluated: 2026-05-23. Review status: criteria provided, single submitter. Criteria: Ambry Variant Classification Scheme 2023. Collection method: clinical testing. Allele origin: germline.
Comment: The p.K45E variant (also known as c.133A>G), located in coding exon 1 of the RNF43 gene, results from an A to G substitution at nucleotide position 133. The lysine at codon 45 is replaced by glutamic acid, an amino acid with similar properties. This amino acid position is conserved. In addition, this alteration is predicted to be tolerated by in silico analysis. Based on the available evidence, the clinical significance of this variant remains unclear.